The following is an entry in ClinVar:

NM_002439.5(MSH3):c.3385G>A (p.Glu1129Lys)

Gene: MSH3 (mutS homolog 3; plus strand). Cytogenetic location: 5q14.1.
Variant type: single nucleotide variant.
Coding change: c.3385G>A on transcript NM_002439.5 (MANE Select); coding-DNA position 3385, G replaced by A.
Protein change: p.Glu1129Lys; replaces glutamic acid 1129 with lysine.
Molecular consequence: missense variant.
Genome position (GRCh38, 1-based): chr5:80,875,833, G>A. VCF-style: chr5-80875833-G-A. GRCh37 (hg19) VCF-style: chr5-80171652-G-A.
Other names: c.3385G>A (NM_002439.3); short protein forms E1129K.
Identifiers: ClinVar variation 2575446 (VCV002575446.4), dbSNP rs1746299802, ClinGen allele CA360347453.
Genomic context (GRCh38, chr5:80,875,833, plus strand): 5'-AAGTTATGGACGATGCATAATGCACAAGACCTGCAGAAGTGGACAGAGGAGTTCAACATG[G>A]AAGAAACACAGACTTCTCTTCTTCATTAAAATGAAGACTACATTTGTGAACAAAAAATGG-3'
Protein context (NP_002430.3, residues 1119-1137): LQKWTEEFNM[Glu1129Lys]ETQTSLLH

ClinVar aggregate classification (germline): Uncertain significance. Review status: criteria provided, multiple submitters, no conflicts (2 of 4 stars). 2 submissions from 2 submitters: Uncertain significance (2). Last evaluated 2026-07-07.

Conditions:
Hereditary cancer-predisposing syndrome. Also called: Hereditary neoplastic syndrome; Hereditary Cancer Syndrome; Neoplastic Syndromes, Hereditary; Tumor predisposition. Identifiers: Orphanet 140162, MedGen C0027672, MeSH D009386, MONDO:0015356.

Submissions (2):

Ambry Genetics
Classification: Uncertain significance for Hereditary cancer-predisposing syndrome. Last evaluated: 2026-07-07. Review status: criteria provided, single submitter. Criteria: Ambry Variant Classification Scheme 2023. Collection method: clinical testing. Allele origin: germline.
Comment: The p.E1129K variant (also known as c.3385G>A), located in coding exon 24 of the MSH3 gene, results from a G to A substitution at nucleotide position 3385. The glutamic acid at codon 1129 is replaced by lysine, an amino acid with similar properties. This amino acid position is conserved. In addition, the in silico prediction for this alteration is inconclusive. Based on the available evidence, the clinical significance of this variant remains unclear.

Center for Genomic Medicine, Rigshospitalet, Copenhagen University Hospital
Classification: Uncertain significance. Last evaluated: 2025-12-29. Review status: criteria provided, single submitter. Criteria: ACMG Guidelines, 2015. Collection method: clinical testing. Allele origin: germline.